The following is an entry in ClinVar:

NM_004318.4(ASPH):c.844C>T (p.Pro282Ser)

Gene: ASPH (aspartate beta-hydroxylase; minus strand). Cytogenetic location: 8q12.3.
Variant type: single nucleotide variant.
Coding change: c.844C>T on transcript NM_004318.4 (MANE Select); coding-DNA position 844, C replaced by T.
Protein change: p.Pro282Ser; replaces proline 282 with serine.
Molecular consequence: missense variant.
Genome position (GRCh38, 1-based): chr8:61,637,992, G>A on the plus strand (C>T on the coding strand, the complement: ASPH is on the minus strand). VCF-style: chr8-61637992-G-A. GRCh37 (hg19) VCF-style: chr8-62550551-G-A.
Other names: c.757C>T, p.Pro253Ser (NM_001164750.2); c.799C>T, p.Pro267Ser (NM_001164751.2); c.742C>T, p.Pro248Ser (NM_001164752.2); c.673C>T, p.Pro225Ser (NM_001164753.2); c.787C>T, p.Pro263Ser (NM_001164754.2); c.715C>T, p.Pro239Ser (NM_001164755.2); c.844C>T, p.Pro282Ser (NM_032466.4); c.802C>T, p.Pro268Ser (NM_032468.5); short protein forms P253S, P268S, P267S, P282S, P239S, P263S, P225S, P248S.
Identifiers: ClinVar variation 718344 (VCV000718344.19), dbSNP rs141197241, ClinGen allele CA4761981.
Genomic context (GRCh38, chr8:61,637,992, plus strand): 5'-ATAAATTTATCTTACCTTCTACAATTACCTGTGAATCTTCTACAGGATTATCCTCAGGGG[G>A]AGCAGTTACTTCTAAAATAAAGAATAAAATCAGAATCCATTACATGTTGCTGACCAGTGA-3'
Protein context (NP_004309.2, residues 272-292): EGIEITEVTA[Pro282Ser]PEDNPVEDSQ

ClinVar aggregate classification (germline): Conflicting classifications of pathogenicity. Review status: criteria provided, conflicting classifications (1 of 4 stars). 7 submissions from 7 submitters: Uncertain significance (1); Likely benign (2). 4 of the submissions do not count toward it. Last evaluated 2026-01-24.

Conditions:
Inborn genetic diseases. Identifiers: MedGen C0950123, MeSH D030342.
ASPH-related disorder. Also called: ASPH-related condition.

Allele frequency attached by ClinVar (database versions not stated): 1000 Genomes Project 0.00020; 1000 Genomes Project 30x 0.00031; gnomAD exomes 0.00287 and 0.00498; TOPMed 0.00313; ExAC 0.00340; gnomAD 0.00341 and 0.00359; ESP Exome Variant Server 0.00438.

Submissions (7):

Labcorp Genetics (formerly Invitae), Labcorp
Classification: Likely benign. Last evaluated: 2026-01-24. Review status: criteria provided, single submitter. Criteria: Invitae Variant Classification Sherloc (09022015). Collection method: clinical testing. Allele origin: germline.

Ambry Genetics
Classification: Uncertain significance for Inborn genetic diseases. Last evaluated: 2025-08-20. Review status: criteria provided, single submitter. Criteria: Ambry Variant Classification Scheme 2023. Collection method: clinical testing. Allele origin: germline.

Blueprint Genetics
Classification: Likely benign. Last evaluated: 2024-11-06. Review status: criteria provided, single submitter. Criteria: ACMG Guidelines, 2015. Collection method: clinical testing. Allele origin: germline.

PreventionGenetics, part of Exact Sciences
Classification: Likely benign for ASPH-related condition. Last evaluated: 2019-07-30. Review status: no assertion criteria provided. Collection method: clinical testing. Allele origin: germline. Not counted in ClinVar's aggregate classification.
Comment: This variant is classified as likely benign based on ACMG/AMP sequence variant interpretation guidelines (Richards et al. 2015 PMID: 25741868, with internal and published modifications).

Clinical Genetics DNA and cytogenetics Diagnostics Lab, Erasmus MC, Erasmus Medical Center
Classification: Likely benign. Review status: no assertion criteria provided. Collection method: clinical testing. Allele origin: germline. Affected: yes. Study: VKGL Data-share Consensus. Not counted in ClinVar's aggregate classification.

Clinical Genetics, Academic Medical Center
Classification: Benign. Review status: no assertion criteria provided. Collection method: clinical testing. Allele origin: germline. Affected: yes. Study: VKGL Data-share Consensus. Not counted in ClinVar's aggregate classification.

Laboratory of Diagnostic Genome Analysis, Leiden University Medical Center (LUMC)
Classification: Likely benign. Review status: no assertion criteria provided. Collection method: clinical testing. Allele origin: germline. Affected: yes. Study: VKGL Data-share Consensus. Not counted in ClinVar's aggregate classification.